The following is an entry in ClinVar:

ClinVar aggregate classification (germline): Likely benign (1 of 4 stars; one submission).

Conditions:
F12-related disorder. Also called: F12-related condition; F12-related disorders. Identifiers: MedGen CN239389.

Submission:

PreventionGenetics, part of Exact Sciences
Classification: Likely benign for F12-related condition. Last evaluated: 2026-08-15. Review status: criteria provided, single submitter. Criteria: ACMG Guidelines, 2015. Collection method: clinical testing. Allele origin: germline.
Comment: This variant is classified as likely benign based on ACMG/AMP sequence variant interpretation guidelines (Richards et al. 2015 PMID: 25741868, with internal and published modifications).

NM_000505.4(F12):c.639C>A (p.Thr213=)

Gene: F12 (coagulation factor XII; minus strand). Cytogenetic location: 5q35.3.
Variant type: single nucleotide variant.
Coding change: c.639C>A on transcript NM_000505.4 (MANE Select); coding-DNA position 639, C replaced by A.
Protein change: p.Thr213=; no amino-acid change (threonine 213 retained).
Molecular consequence: synonymous variant.
Genome position (GRCh38, 1-based): chr5:177,404,660, G>T on the plus strand (C>A on the coding strand, the complement: F12 is on the minus strand). VCF-style: chr5-177404660-G-T. GRCh37 (hg19) VCF-style: chr5-176831661-G-T.
Identifiers: ClinVar variation 4977327 (VCV004977327.1).
Genomic context (GRCh38, chr5:177,404,660, plus strand): 5'-GAGCGTGGTCCTGGCCAGGCCGCGGTAGCTGAGCCCGCGGCCATCATAGCAGCTTGCCTT[G>T]GTGTCTGAGGAGAAAGGGGGCTCCCTGGGCAGCCAAGGCTGGGCTCTCCTGCCTCCCTCT-3'
Protein context (NP_000496.2, residues 203-223): GYTGAFCDVD[Thr213=]KASCYDGRGL